The following is an entry in ClinVar:

NM_024529.5(CDC73):c.1198_1199del (p.Glu400fs)

Gene: CDC73 (cell division cycle 73; plus strand). Cytogenetic location: 1q31.2.
Variant type: Microsatellite.
Coding change: c.1198_1199del on transcript NM_024529.5 (MANE Select); coding-DNA positions 1198 to 1199, 2 bases deleted (GA; older notation c.1198_1199delGA).
Protein change: p.Glu400fs; shifts the reading frame from glutamic acid 400.
Molecular consequence: frameshift variant.
Genome position (GRCh38, 1-based): chr1:193,233,036-193,233,037, GA deleted; deleting any 2 consecutive bases within chr1:193,233,034-193,233,037 gives the same sequence; the c. name uses the placement nearest the transcript's 3' end. VCF-style (leftmost placement, unchanged base first): chr1-193233033-CGA-C. GRCh37 (hg19) VCF-style: chr1-193202163-CGA-C.
Other names: c.1196_1197GA[1], p.Glu400Lysfs (NM_024529.4); c.1198_1199delGA (NM_024529.4); short protein forms E400fs.
Identifiers: ClinVar variation 4868369 (VCV004868369.1).

ClinVar aggregate classification (germline): Pathogenic (1 of 4 stars; one submission).

Conditions:
Hereditary cancer-predisposing syndrome. Also called: Neoplastic Syndromes, Hereditary; Tumor predisposition; Hereditary Cancer Syndrome; Hereditary neoplastic syndrome. Identifiers: Orphanet 140162, MedGen C0027672, MeSH D009386, MONDO:0015356.

Submission:

Ambry Genetics
Classification: Pathogenic for Hereditary cancer-predisposing syndrome. Last evaluated: 2026-06-10. Review status: criteria provided, single submitter. Criteria: Ambry Variant Classification Scheme 2023. Collection method: clinical testing. Allele origin: germline.
Comment: The c.1198_1199delGA pathogenic mutation, located in coding exon 14 of the CDC73 gene, results from a deletion of two nucleotides at nucleotide positions 1198 to 1199, causing a translational frameshift with a predicted alternate stop codon (p.E400Kfs*2). This variant is considered to be rare based on population cohorts in the Genome Aggregation Database (gnomAD). This alteration is expected to result in loss of function by premature protein truncation or nonsense-mediated mRNA decay. As such, this alteration is interpreted as a disease-causing mutation.